The following is an entry in ClinVar:

ClinVar aggregate classification (germline): Likely pathogenic. Review status: criteria provided, single submitter (1 of 4 stars). 2 submissions from 2 submitters: Likely pathogenic (1). 1 of the submissions does not count toward it. Last evaluated 2025-09-30.

Conditions:
Deficiency of steroid 11-beta-monooxygenase (CYP11B1). Also called: Congenital adrenal hyperplasia due to 11-beta-hydroxylase deficiency; 11-BETA-HYDROXYLASE DEFICIENCY; ADRENAL HYPERPLASIA, CONGENITAL, DUE TO STEROID 11-BETA-HYDROXYLASE DEFICIENCY; ADRENAL HYPERPLASIA IV; P450C11B1 DEFICIENCY; STEROID 11-BETA-HYDROXYLASE DEFICIENCY. Identifiers: Orphanet 90795, MedGen C0268292, MONDO:0008729, OMIM 202010. Disease mechanism: loss of function.

Allele frequency attached by ClinVar (database versions not stated): gnomAD exomes below 0.00001; TOPMed below 0.00001; gnomAD 0.00001.

Submissions (2):

Myriad Genetics, Inc.
Classification: Likely pathogenic for Deficiency of steroid 11-beta-monooxygenase. Last evaluated: 2025-09-30. Review status: criteria provided, single submitter. Criteria: Myriad Autosomal Dominant, Autosomal Recessive and X-Linked Classification Criteria (2023). Collection method: clinical testing. Allele origin: unknown.
Comment: NM_000497.3(CYP11B1):c.955-1G>A is a variant in a canonical splice site classified as likely pathogenic in the context of congenital adrenal hyperplasia, CYP11B1-related. c.955-1G>A has not been observed in cases with relevant disease. Relevant functional assessments of this variant are not available in the literature. c.955-1G>A has not been observed in referenced population frequency databases. In summary, NM_000497.3(CYP11B1):c.955-1G>A is a variant in a canonical splice site in a gene where loss of function is a known mechanism of disease and is predicted to disrupt protein function. Please note: this variant was assessed in the context of healthy population screening.

Counsyl
Classification: Likely pathogenic for Deficiency of steroid 11-beta-monooxygenase. Last evaluated: 2017-03-08. Review status: no assertion criteria provided. Collection method: clinical testing. Allele origin: unknown. Not counted in ClinVar's aggregate classification.

NM_000497.4(CYP11B1):c.955-1G>A

Genes: CYP11B1 (cytochrome P450 family 11 subfamily B member 1; minus strand), LOC106799833 (CYP11B1 recombination region; plus strand). Cytogenetic location: 8q24.3.
Variant type: single nucleotide variant.
Coding change: c.955-1G>A on transcript NM_000497.4 (MANE Select); the canonical splice acceptor site of the intron before coding-DNA position 955, G replaced by A.
Molecular consequence: splice acceptor variant.
Genome position (GRCh38, 1-based): chr8:142,875,879, C>T on the plus strand (G>A on the coding strand, the complement: CYP11B1 is on the minus strand). VCF-style: chr8-142875879-C-T. GRCh37 (hg19) VCF-style: chr8-143957295-C-T.
Other names: c.955-1G>A (NM_001026213.1).
Identifiers: ClinVar variation 551042 (VCV000551042.3), dbSNP rs1456715954, ClinGen allele CA372394614.